The following is an entry in ClinVar:

NM_198334.3(GANAB):c.462G>A (p.Arg154=)

Gene: GANAB (glucosidase II alpha subunit; minus strand). Cytogenetic location: 11q12.3.
Variant type: single nucleotide variant.
Coding change: c.462G>A on transcript NM_198334.3 (MANE Select); coding-DNA position 462, G replaced by A.
Protein change: p.Arg154=; no amino-acid change (arginine 154 retained).
Molecular consequence: synonymous variant. On other transcripts: 5 prime UTR variant (2).
Genome position (GRCh38, 1-based): chr11:62,634,919, C>T on the plus strand (G>A on the coding strand, the complement: GANAB is on the minus strand). VCF-style: chr11-62634919-C-T. GRCh37 (hg19) VCF-style: chr11-62402391-C-T.
Other names: c.120G>A, p.Arg40= (NM_001278192.2, NM_001278193.2); c.171G>A, p.Arg57= (NM_001278194.2, NM_001329222.2, NM_001329223.2); c.-315G>A (NM_001329224.2, NM_001329225.2); c.462G>A, p.Arg154= (NM_198335.4).
Identifiers: ClinVar variation 4985019 (VCV004985019.1).
Genomic context (GRCh38, chr11:62,634,919, plus strand): 5'-TCCTCGGGCATTGACACTAAGCAAAAGACTTCGGTCCTCTAGTAGGTCAAGGCGGAATGG[C>T]CGTGCTGTCAAGATGATCTTGTAGGGTCCCTCAGCCATGGTTAACTCCACACTGTTCTCA-3'
Protein context (NP_938148.1, residues 144-164): EGPYKIILTA[Arg154=]PFRLDLLEDR

ClinVar aggregate classification (germline): Likely benign (1 of 4 stars; one submission).

Conditions:
GANAB-related disorder. Also called: GANAB-related condition.

gnomAD v4.1: 1 of 1,613,622 alleles (0.000062%); highest among the groups gnomAD compares: Admixed American, 0.0017%; no homozygotes.

Submission:

PreventionGenetics, part of Exact Sciences
Classification: Likely benign for GANAB-related condition. Last evaluated: 2025-03-10. Review status: criteria provided, single submitter. Criteria: ACMG Guidelines, 2015. Collection method: clinical testing. Allele origin: germline.
Comment: This variant is classified as likely benign based on ACMG/AMP sequence variant interpretation guidelines (Richards et al. 2015 PMID: 25741868, with internal and published modifications).